The following is an entry in ClinVar:

ClinVar aggregate classification (germline): Uncertain significance (1 of 4 stars; one submission).

Submission:

Ambry Genetics
Classification: Uncertain significance. Last evaluated: 2022-12-26. Review status: criteria provided, single submitter. Criteria: Ambry Variant Classification Scheme 2023. Collection method: clinical testing. Allele origin: germline.
Comment: The p.P2575S variant (also known as c.7723C>T), located in coding exon 57 of the PRKDC gene, results from a C to T substitution at nucleotide position 7723. The proline at codon 2575 is replaced by serine, an amino acid with similar properties. This amino acid position is conserved. In addition, this alteration is predicted to be tolerated by in silico analysis. Since supporting evidence is limited at this time, the clinical significance of this alteration remains unclear.

NM_006904.7(PRKDC):c.7723C>T (p.Pro2575Ser)

Gene: PRKDC (protein kinase, DNA-activated, catalytic subunit; minus strand). Cytogenetic location: 8q11.21.
Variant type: single nucleotide variant.
Coding change: c.7723C>T on transcript NM_006904.7 (MANE Select); coding-DNA position 7723, C replaced by T.
Protein change: p.Pro2575Ser; replaces proline 2575 with serine.
Molecular consequence: missense variant.
Genome position (GRCh38, 1-based): chr8:47,837,250, G>A on the plus strand (C>T on the coding strand, the complement: PRKDC is on the minus strand). VCF-style: chr8-47837250-G-A. GRCh37 (hg19) VCF-style: chr8-48749811-G-A.
Other names: c.7723C>T, p.Pro2575Ser (NM_001081640.2); short protein forms P2575S.
Identifiers: ClinVar variation 2497426 (VCV002497426.2), dbSNP rs748026805, ClinGen allele CA371152550.